The following is an entry in ClinVar:

ClinVar aggregate classification (germline): Likely benign. Review status: criteria provided, multiple submitters, no conflicts (2 of 4 stars). 2 submissions from 2 submitters: Likely benign (2). Last evaluated 2025-11-22.

Conditions:
Mucopolysaccharidosis, MPS-III-B (MPS3B). Also called: MPS III B; Mucopolysaccharidosis type IIIB (Sanfilippo B); MPS IIIB (Sanfilippo Syndrome Type B); N-ACETYL-ALPHA-D-GLUCOSAMINIDASE DEFICIENCY; NAGLU DEFICIENCY; SANFILIPPO SYNDROME B. Identifiers: Orphanet 79270, MedGen C0086648, MONDO:0009656, OMIM 252920.
Charcot-Marie-Tooth disease axonal type 2V. Also called: CHARCOT-MARIE-TOOTH NEUROPATHY, TYPE 2V; CHARCOT-MARIE-TOOTH DISEASE, AXONAL, AUTOSOMAL DOMINANT, TYPE 2V. Identifiers: Orphanet 447964, MedGen C5569050, MONDO:0014665, OMIM 616491.

Allele frequency attached by ClinVar (database versions not stated): gnomAD 0.00002.
gnomAD v4.1: 8 of 1,613,930 alleles (0.0005%); highest among the groups gnomAD compares: African/African-American, 0.0013%; no homozygotes.

Submissions (2):

Labcorp Genetics (formerly Invitae), Labcorp
Classification: Likely benign for Charcot-Marie-Tooth disease axonal type 2V; Mucopolysaccharidosis, MPS-III-B. Last evaluated: 2025-11-22. Review status: criteria provided, single submitter. Criteria: Invitae Variant Classification Sherloc (09022015). Collection method: clinical testing. Allele origin: germline.

CeGaT Center for Human Genetics Tuebingen
Classification: Likely benign. Last evaluated: 2023-04-01. Review status: criteria provided, single submitter. Criteria: CeGaT Center For Human Genetics Tuebingen Variant Classification Criteria Version 2. Collection method: clinical testing. Allele origin: germline. Affected: yes. Observed: 1 variant allele.
Comment: NAGLU: BP4, BP7

NM_000263.4(NAGLU):c.732A>G (p.Ala244=)

Gene: NAGLU (N-acetyl-alpha-glucosaminidase; plus strand). Cytogenetic location: 17q21.2.
Variant type: single nucleotide variant.
Coding change: c.732A>G on transcript NM_000263.4 (MANE Select); coding-DNA position 732, A replaced by G.
Protein change: p.Ala244=; no amino-acid change (alanine 244 retained).
Molecular consequence: synonymous variant.
Genome position (GRCh38, 1-based): chr17:42,538,723, A>G. VCF-style: chr17-42538723-A-G. GRCh37 (hg19) VCF-style: chr17-40690741-A-G.
Identifiers: ClinVar variation 1154527 (VCV001154527.32), dbSNP rs200729468, ClinGen allele CA500216512.